The following is an entry in ClinVar:

NM_024652.6(LRRK1):c.2480A>G (p.Lys827Arg)

Genes: LRRK1 (leucine rich repeat kinase 1; plus strand), LOC126862255 (CDK7 strongly-dependent group 2 enhancer GRCh37_chr15:101567313-101568512; plus strand). Cytogenetic location: 15q26.3.
Variant type: single nucleotide variant.
Coding change: c.2480A>G on transcript NM_024652.6 (MANE Select); coding-DNA position 2480, A replaced by G.
Protein change: p.Lys827Arg; replaces lysine 827 with arginine.
Molecular consequence: missense variant.
Genome position (GRCh38, 1-based): chr15:101,027,335, A>G. VCF-style: chr15-101027335-A-G. GRCh37 (hg19) VCF-style: chr15-101567540-A-G.
Other names: c.2480A>G (NM_024652.3); short protein forms K827R.
Identifiers: ClinVar variation 2877465 (VCV002877465.2), dbSNP rs373879296, ClinGen allele CA7761250.

ClinVar aggregate classification (germline): Uncertain significance. Review status: criteria provided, multiple submitters, no conflicts (2 of 4 stars). 2 submissions from 2 submitters: Uncertain significance (2). Last evaluated 2024-05-22.

Conditions:
Inborn genetic diseases. Identifiers: MedGen C0950123, MeSH D030342.

Allele frequency attached by ClinVar (database versions not stated): ExAC 0.00001; gnomAD 0.00001; gnomAD exomes 0.00001; TOPMed 0.00002; ESP Exome Variant Server 0.00008.
gnomAD v4.1: 22 of 1,613,932 alleles (0.0014%); highest among the groups gnomAD compares: Non-Finnish European, 0.0017%; no homozygotes.

Submissions (2):

Ambry Genetics
Classification: Uncertain significance for Inborn genetic diseases. Last evaluated: 2024-05-22. Review status: criteria provided, single submitter. Criteria: Ambry Variant Classification Scheme 2023. Collection method: clinical testing. Allele origin: germline.

Labcorp Genetics (formerly Invitae), Labcorp
Classification: Uncertain significance. Last evaluated: 2022-12-25. Review status: criteria provided, single submitter. Criteria: Invitae Variant Classification Sherloc (09022015). Collection method: clinical testing. Allele origin: germline.
Comment: This variant is present in population databases (rs373879296, gnomAD 0.002%). This sequence change replaces lysine, which is basic and polar, with arginine, which is basic and polar, at codon 827 of the LRRK1 protein (p.Lys827Arg). This variant has not been reported in the literature in individuals affected with LRRK1-related conditions. In summary, the available evidence is currently insufficient to determine the role of this variant in disease. Therefore, it has been classified as a Variant of Uncertain Significance. Algorithms developed to predict the effect of missense changes on protein structure and function (SIFT, PolyPhen-2, Align-GVGD) all suggest that this variant is likely to be tolerated.